The following is an entry in ClinVar:

ClinVar aggregate classification (germline): Uncertain significance (1 of 4 stars; one submission).

Allele frequency attached by ClinVar (database versions not stated): gnomAD exomes below 0.00001.
gnomAD v4.1: 1 of 1,613,802 alleles (0.000062%); highest among the groups gnomAD compares: Admixed American, 0.0017%; no homozygotes.

Submission:

Labcorp Genetics (formerly Invitae), Labcorp
Classification: Uncertain significance. Last evaluated: 2024-02-24. Review status: criteria provided, single submitter. Criteria: Invitae Variant Classification Sherloc (09022015). Collection method: clinical testing. Allele origin: germline.
Comment: This sequence change creates a premature translational stop signal (p.Gln41*) in the SUCLG2 gene. It is expected to result in an absent or disrupted protein product. However, the current clinical and genetic evidence is not sufficient to establish whether loss-of-function variants in SUCLG2 cause disease. The frequency data for this variant in the population databases is considered unreliable, as metrics indicate poor data quality at this position in the gnomAD database. This variant has not been reported in the literature in individuals affected with SUCLG2-related conditions. ClinVar contains an entry for this variant (Variation ID: 2146923). In summary, the available evidence is currently insufficient to determine the role of this variant in disease. Therefore, it has been classified as a Variant of Uncertain Significance.

NM_003848.4(SUCLG2):c.121C>T (p.Gln41Ter)

Gene: SUCLG2 (succinate-CoA ligase GDP-forming subunit beta; minus strand). Cytogenetic location: 3p14.1.
Variant type: single nucleotide variant.
Coding change: c.121C>T on transcript NM_003848.4 (MANE Select); coding-DNA position 121, C replaced by T.
Protein change: p.Gln41Ter; replaces glutamine 41 with a stop codon.
Molecular consequence: nonsense.
Genome position (GRCh38, 1-based): chr3:67,609,560, G>A on the plus strand (C>T on the coding strand, the complement: SUCLG2 is on the minus strand). VCF-style: chr3-67609560-G-A. GRCh37 (hg19) VCF-style: chr3-67659984-G-A.
Other names: c.121C>T, p.Gln41Ter (NM_001177599.2); short protein forms Q41*.
Identifiers: ClinVar variation 2146923 (VCV002146923.4), dbSNP rs1325937947, ClinGen allele CA353553065.
Genomic context (GRCh38, chr3:67,609,560, plus strand): 5'-CAAAGAATCTTTGAACTCTCACTCCGTTGTCAGACATCAGTTTCTTGCTCTGGTATTCCT[G>A]CAGGTTCAGCCATCTTCTGGAGGTTAATTGAACTGCCTACAGAAATTGAAGGAGAGAGGT-3'